The following is an entry in ClinVar:

ClinVar aggregate classification (germline): Uncertain significance. Review status: criteria provided, multiple submitters, no conflicts (2 of 4 stars). 2 submissions from 2 submitters: Uncertain significance (2). Last evaluated 2025-04-28.

Conditions:
Hereditary cancer-predisposing syndrome. Also called: Hereditary Cancer Syndrome; Hereditary neoplastic syndrome; Neoplastic Syndromes, Hereditary; Tumor predisposition. Identifiers: Orphanet 140162, MedGen C0027672, MeSH D009386, MONDO:0015356.

Submissions (2):

Ambry Genetics
Classification: Uncertain significance for Hereditary cancer-predisposing syndrome. Last evaluated: 2025-04-28. Review status: criteria provided, single submitter. Criteria: Ambry Variant Classification Scheme 2023. Collection method: clinical testing. Allele origin: germline.
Comment: The p.V499A variant (also known as c.1496T>C), located in coding exon 10 of the MSH3 gene, results from a T to C substitution at nucleotide position 1496. The valine at codon 499 is replaced by alanine, an amino acid with similar properties. This amino acid position is conserved. In addition, the in silico prediction for this alteration is inconclusive. Based on the available evidence, the clinical significance of this variant remains unclear.

Labcorp Genetics (formerly Invitae), Labcorp
Classification: Uncertain significance. Last evaluated: 2024-12-17. Review status: criteria provided, single submitter. Criteria: Invitae Variant Classification Sherloc (09022015). Collection method: clinical testing. Allele origin: germline.
Comment: This sequence change replaces valine, which is neutral and non-polar, with alanine, which is neutral and non-polar, at codon 499 of the MSH3 protein (p.Val499Ala). This variant is not present in population databases (gnomAD no frequency). This variant has not been reported in the literature in individuals affected with MSH3-related conditions. An algorithm developed to predict the effect of missense changes on protein structure and function (PolyPhen-2) suggests that this variant is likely to be disruptive. In summary, the available evidence is currently insufficient to determine the role of this variant in disease. Therefore, it has been classified as a Variant of Uncertain Significance.

NM_002439.5(MSH3):c.1496T>C (p.Val499Ala)

Gene: MSH3 (mutS homolog 3; plus strand). Cytogenetic location: 5q14.1.
Variant type: single nucleotide variant.
Coding change: c.1496T>C on transcript NM_002439.5 (MANE Select); coding-DNA position 1496, T replaced by C.
Protein change: p.Val499Ala; replaces valine 499 with alanine.
Molecular consequence: missense variant.
Genome position (GRCh38, 1-based): chr5:80,728,893, T>C. VCF-style: chr5-80728893-T-C. GRCh37 (hg19) VCF-style: chr5-80024712-T-C.
Other names: c.1496T>C (NM_002439.3); short protein forms V499A.
Identifiers: ClinVar variation 3727438 (VCV003727438.3).